The following is an entry in ClinVar:

NM_000343.4(SLC5A1):c.1065C>T (p.Cys355=)

Gene: SLC5A1 (solute carrier family 5 member 1; plus strand). Cytogenetic location: 22q12.3.
Variant type: single nucleotide variant.
Coding change: c.1065C>T on transcript NM_000343.4 (MANE Select); coding-DNA position 1065, C replaced by T.
Protein change: p.Cys355=; no amino-acid change (cysteine 355 retained).
Molecular consequence: synonymous variant.
Genome position (GRCh38, 1-based): chr22:32,086,263, C>T. VCF-style: chr22-32086263-C-T. GRCh37 (hg19) VCF-style: chr22-32482250-C-T.
Other names: c.684C>T, p.Cys228= (NM_001256314.2).
Identifiers: ClinVar variation 1456302 (VCV001456302.9), dbSNP rs199702272, ClinGen allele CA10198141.

ClinVar aggregate classification (germline): Likely benign. Review status: criteria provided, multiple submitters, no conflicts (2 of 4 stars). 2 submissions from 2 submitters: Likely benign (2). Last evaluated 2026-08-01.

Conditions:
Congenital glucose-galactose malabsorption (GGM). Also called: MONOSACCHARIDE MALABSORPTION; DIARRHEA 16. Identifiers: Orphanet 35710, MedGen C0268186, MONDO:0011731, OMIM 606824.

Allele frequency attached by ClinVar (database versions not stated): gnomAD exomes 0.00007 and 0.00008; ExAC 0.00008; gnomAD 0.00011 and 0.00013; TOPMed 0.00013.
gnomAD v4.1: 117 of 1,613,748 alleles (0.0073%); highest among the groups gnomAD compares: Admixed American, 0.037%; no homozygotes.

Submissions (2):

CeGaT Center for Human Genetics Tuebingen
Classification: Likely benign. Last evaluated: 2026-08-01. Review status: criteria provided, single submitter. Criteria: CeGaT Center For Human Genetics Tuebingen Variant Classification Criteria Version 2. Collection method: clinical testing. Allele origin: germline. Affected: yes. Observed: 1 variant allele.
Comment: SLC5A1: BP4, BP7

Labcorp Genetics (formerly Invitae), Labcorp
Classification: Likely benign for Congenital glucose-galactose malabsorption. Last evaluated: 2025-09-20. Review status: criteria provided, single submitter. Criteria: Invitae Variant Classification Sherloc (09022015). Collection method: clinical testing. Allele origin: germline.